The following is an entry in ClinVar:

NM_001163278.2(TENM1):c.2322A>G (p.Arg774=)

Gene: TENM1 (teneurin transmembrane protein 1; minus strand). Cytogenetic location: Xq25.
Variant type: single nucleotide variant.
Coding change: c.2322A>G on transcript NM_001163278.2 (MANE Select); coding-DNA position 2322, A replaced by G.
Protein change: p.Arg774=; no amino-acid change (arginine 774 retained).
Molecular consequence: synonymous variant.
Genome position (GRCh38, 1-based): chrX:124,561,783, T>C on the plus strand (A>G on the coding strand, the complement: TENM1 is on the minus strand). VCF-style: chrX-124561783-T-C. GRCh37 (hg19) VCF-style: chrX-123695633-T-C.
Other names: c.2319A>G, p.Arg773= (NM_001163279.1); c.2322A>G, p.Arg774= (NM_014253.3).
Identifiers: ClinVar variation 2661367 (VCV002661367.24), dbSNP rs776544734, ClinGen allele CA10510146.
Genomic context (GRCh38, chrX:124,561,783, plus strand): 5'-GCCTGTCCCACTCCAACCCACCTGACACACACAGTGCCAACCATTTTGATCCAGGGTACA[T>C]CGTCCATTTCCAAAGCAGAGCCCTGGGCAGCCATCTGAAAAGACATCAGAGAGTAACCAT-3'
Protein context (NP_001156750.1, residues 764-784): GCPGLCFGNG[Arg774=]CTLDQNGWHC

ClinVar aggregate classification (germline): Likely benign (1 of 4 stars; one submission).

Allele frequency attached by ClinVar (database versions not stated): TOPMed 0.00002; ExAC 0.00003; gnomAD exomes 0.00004; gnomAD 0.00005.
gnomAD v4.1: 46 of 1,209,186 alleles (0.0038%); highest among the groups gnomAD compares: Non-Finnish European, 0.0049%; no homozygotes.

Submission:

CeGaT Center for Human Genetics Tuebingen
Classification: Likely benign. Last evaluated: 2023-07-01. Review status: criteria provided, single submitter. Criteria: CeGaT Center For Human Genetics Tuebingen Variant Classification Criteria Version 2. Collection method: clinical testing. Allele origin: germline. Affected: yes. Observed: 1 variant allele.
Comment: TENM1: BP4, BP7